The following is an entry in ClinVar:

NM_005228.5(EGFR):c.1537G>A (p.Glu513Lys)

Gene: EGFR (epidermal growth factor receptor; plus strand). Cytogenetic location: 7p11.2.
Variant type: single nucleotide variant.
Coding change: c.1537G>A on transcript NM_005228.5 (MANE Select); coding-DNA position 1537, G replaced by A.
Protein change: p.Glu513Lys; replaces glutamic acid 513 with lysine.
Molecular consequence: missense variant.
Genome position (GRCh38, 1-based): chr7:55,161,537, G>A. VCF-style: chr7-55161537-G-A. GRCh37 (hg19) VCF-style: chr7-55229230-G-A.
Other names: c.1402G>A, p.Glu468Lys (NM_001346897.2, NM_001346899.2); c.1537G>A, p.Glu513Lys (NM_001346898.2, NM_201282.2, NM_201284.2); c.1378G>A, p.Glu460Lys (NM_001346900.2); c.736G>A, p.Glu246Lys (NM_001346941.2); short protein forms E246K, E460K, E468K, E513K.
Identifiers: ClinVar variation 972138 (VCV000972138.10), dbSNP rs754646330, ClinGen allele CA4265611.

ClinVar aggregate classification (germline): Uncertain significance. Review status: criteria provided, multiple submitters, no conflicts (2 of 4 stars). 2 submissions from 2 submitters: Uncertain significance (2). Last evaluated 2025-04-13.

Conditions:
Hereditary cancer-predisposing syndrome. Also called: Neoplastic Syndromes, Hereditary; Hereditary Cancer Syndrome; Tumor predisposition; Hereditary neoplastic syndrome. Identifiers: Orphanet 140162, MedGen C0027672, MeSH D009386, MONDO:0015356.
EGFR-related lung cancer (EGFR). Identifiers: MedGen CN130014.

Allele frequency attached by ClinVar (database versions not stated): TOPMed below 0.00001; gnomAD 0.00001.
gnomAD v4.1: 9 of 1,614,130 alleles (0.00056%); highest among the groups gnomAD compares: East Asian, 0.0045%; no homozygotes.

Submissions (2):

Labcorp Genetics (formerly Invitae), Labcorp
Classification: Uncertain significance for EGFR-related lung cancer. Last evaluated: 2025-04-13. Review status: criteria provided, single submitter. Criteria: Invitae Variant Classification Sherloc (09022015). Collection method: clinical testing. Allele origin: germline.
Comment: This sequence change replaces glutamic acid, which is acidic and polar, with lysine, which is basic and polar, at codon 513 of the EGFR protein (p.Glu513Lys). This variant is present in population databases (rs754646330, gnomAD 0.0009%). This missense change has been observed in individual(s) with genitourinary cancer and/or pancreatic adenocarcinoma (PMID: 29625052, 36451132). ClinVar contains an entry for this variant (Variation ID: 972138). Invitae Evidence Modeling of protein sequence and biophysical properties (such as structural, functional, and spatial information, amino acid conservation, physicochemical variation, residue mobility, and thermodynamic stability) indicates that this missense variant is not expected to disrupt EGFR protein function with a negative predictive value of 80%. In summary, the available evidence is currently insufficient to determine the role of this variant in disease. Therefore, it has been classified as a Variant of Uncertain Significance.

Ambry Genetics
Classification: Uncertain significance for Hereditary cancer-predisposing syndrome. Last evaluated: 2025-01-23. Review status: criteria provided, single submitter. Criteria: Ambry Variant Classification Scheme 2023. Collection method: clinical testing. Allele origin: germline.
Comment: The p.E513K variant (also known as c.1537G>A), located in coding exon 13 of the EGFR gene, results from a G to A substitution at nucleotide position 1537. The glutamic acid at codon 513 is replaced by lysine, an amino acid with similar properties. This amino acid position is not well conserved in available vertebrate species. In addition, this alteration is predicted to be tolerated by in silico analysis. Based on the available evidence, the clinical significance of this variant remains unclear.

Literature cited by the submitters: PubMed 29625052 (cited by Labcorp Genetics (formerly Invitae), Labcorp); PubMed 36451132 (cited by Labcorp Genetics (formerly Invitae), Labcorp).